The following is an entry in ClinVar:

ClinVar aggregate classification (germline): Uncertain significance. Review status: criteria provided, multiple submitters, no conflicts (2 of 4 stars). 2 submissions from 2 submitters: Uncertain significance (2). Last evaluated 2025-12-21.

Conditions:
Hereditary cancer-predisposing syndrome. Also called: Tumor predisposition; Hereditary Cancer Syndrome; Hereditary neoplastic syndrome; Neoplastic Syndromes, Hereditary. Identifiers: Orphanet 140162, MedGen C0027672, MeSH D009386, MONDO:0015356.
Gastrointestinal stromal tumor. Also called: Gastrointestinal stroma tumor; Gastrointestinal stromal tumor, somatic. Identifiers: Orphanet 44890, MedGen C0238198, MeSH D046152, MONDO:0011719, OMIM 606764, HP:0100723.

Submissions (2):

Ambry Genetics
Classification: Uncertain significance for Hereditary cancer-predisposing syndrome. Last evaluated: 2025-12-21. Review status: criteria provided, single submitter. Criteria: Ambry Variant Classification Scheme 2023. Collection method: clinical testing. Allele origin: germline.
Comment: The p.Y872H variant (also known as c.2614T>C), located in coding exon 18 of the PDGFRA gene, results from a T to C substitution at nucleotide position 2614. The tyrosine at codon 872 is replaced by histidine, an amino acid with similar properties. This amino acid position is conserved. In addition, this alteration is predicted to be deleterious by in silico analysis. Since supporting evidence is limited at this time, the clinical significance of this alteration remains unclear.

Labcorp Genetics (formerly Invitae), Labcorp
Classification: Uncertain significance for Gastrointestinal stromal tumor. Last evaluated: 2021-07-09. Review status: criteria provided, single submitter. Criteria: Invitae Variant Classification Sherloc (09022015). Collection method: clinical testing. Allele origin: germline.
Comment: This sequence change replaces tyrosine with histidine at codon 872 of the PDGFRA protein (p.Tyr872His). The tyrosine residue is highly conserved and there is a moderate physicochemical difference between tyrosine and histidine. This variant is not present in population databases (ExAC no frequency). This variant has not been reported in the literature in individuals affected with PDGFRA-related conditions. Algorithms developed to predict the effect of missense changes on protein structure and function are either unavailable or do not agree on the potential impact of this missense change (SIFT: "Deleterious"; PolyPhen-2: "Probably Damaging"; Align-GVGD: "Class C0"). In summary, the available evidence is currently insufficient to determine the role of this variant in disease. Therefore, it has been classified as a Variant of Uncertain Significance.

NM_006206.6(PDGFRA):c.2614T>C (p.Tyr872His)

Gene: PDGFRA (platelet derived growth factor receptor alpha; plus strand). Cytogenetic location: 4q12.
Variant type: single nucleotide variant.
Coding change: c.2614T>C on transcript NM_006206.6 (MANE Select); coding-DNA position 2614, T replaced by C.
Protein change: p.Tyr872His; replaces tyrosine 872 with histidine.
Molecular consequence: missense variant.
Genome position (GRCh38, 1-based): chr4:54,287,481, T>C. VCF-style: chr4-54287481-T-C. GRCh37 (hg19) VCF-style: chr4-55153648-T-C.
Other names: c.2689T>C, p.Tyr897His (NM_001347828.2); c.2614T>C, p.Tyr872His (NM_001347829.2); c.2653T>C, p.Tyr885His (NM_001347830.2); short protein forms Y872H, Y885H, Y897H.
Identifiers: ClinVar variation 1366471 (VCV001366471.11), dbSNP rs2110341437, ClinGen allele CA356895246.